The following is an entry in ClinVar:

ClinVar aggregate classification (germline): Benign/Likely benign. Review status: criteria provided, multiple submitters, no conflicts (2 of 4 stars). 3 submissions from 3 submitters: Benign (1); Likely benign (2). Last evaluated 2025-03-27.

Conditions:
Hereditary cancer-predisposing syndrome. Also called: Hereditary neoplastic syndrome; Neoplastic Syndromes, Hereditary; Tumor predisposition; Hereditary Cancer Syndrome. Identifiers: Orphanet 140162, MedGen C0027672, MeSH D009386, MONDO:0015356.
Peutz-Jeghers syndrome (PJS). Also called: POLYPOSIS, HAMARTOMATOUS INTESTINAL; POLYPS-AND-SPOTS SYNDROME; Peutz-Jeghers polyposis; Periorificial lentiginosis syndrome. Identifiers: Orphanet 2869, MedGen C0031269, MeSH D010580, MONDO:0008280, OMIM 175200.

Submissions (3):

Myriad Genetics, Inc.
Classification: Benign for Peutz-Jeghers syndrome. Last evaluated: 2025-03-27. Review status: criteria provided, single submitter. Criteria: Myriad Autosomal Dominant, Autosomal Recessive and X-Linked Classification Criteria (2023). Collection method: clinical testing. Allele origin: unknown.
Comment: This variant is considered benign. This variant is a silent/synonymous amino acid change and it is not expected to impact splicing.

Labcorp Genetics (formerly Invitae), Labcorp
Classification: Likely benign for Peutz-Jeghers syndrome. Last evaluated: 2023-08-07. Review status: criteria provided, single submitter. Criteria: Invitae Variant Classification Sherloc (09022015). Collection method: clinical testing. Allele origin: germline.

Ambry Genetics
Classification: Likely benign for Hereditary cancer-predisposing syndrome. Last evaluated: 2016-05-02. Review status: criteria provided, single submitter. Criteria: Ambry Variant Classification Scheme 2023. Collection method: clinical testing. Allele origin: germline.

NM_000455.5(STK11):c.915G>A (p.Gln305=)

Gene: STK11 (serine/threonine kinase 11; plus strand). Cytogenetic location: 19p13.3.
Variant type: single nucleotide variant.
Coding change: c.915G>A on transcript NM_000455.5 (MANE Select); coding-DNA position 915, G replaced by A.
Protein change: p.Gln305=; no amino-acid change (glutamine 305 retained).
Molecular consequence: synonymous variant.
Genome position (GRCh38, 1-based): chr19:1,222,001, G>A. VCF-style: chr19-1222001-G-A. GRCh37 (hg19) VCF-style: chr19-1222000-G-A.
Identifiers: ClinVar variation 480707 (VCV000480707.14), dbSNP rs1297148927, ClinGen allele CA504707707.